The following is an entry in ClinVar:

ClinVar aggregate classification (germline): Uncertain significance. Review status: criteria provided, multiple submitters, no conflicts (2 of 4 stars). 2 submissions from 2 submitters: Uncertain significance (2). Last evaluated 2023-10-29.

Conditions:
Charcot-Marie-Tooth disease dominant intermediate B (CMTDIB). Also called: Charcot-Marie-Tooth disease dominant intermediate 1; CMT DI1; Charcot-Marie-Tooth disease dominant intermediate I; CHARCOT-MARIE-TOOTH NEUROPATHY, DOMINANT INTERMEDIATE B. Identifiers: Orphanet 100044, Orphanet 228179, MedGen C1847902, MONDO:0011674, OMIM 606482.

Allele frequency attached by ClinVar (database versions not stated): gnomAD 0.00001; gnomAD exomes 0.00002; TOPMed 0.00002.
gnomAD v4.1: 34 of 1,613,858 alleles (0.0021%); highest among the groups gnomAD compares: South Asian, 0.0044%; no homozygotes.

Submissions (2):

Labcorp Genetics (formerly Invitae), Labcorp
Classification: Uncertain significance for Charcot-Marie-Tooth disease dominant intermediate B. Last evaluated: 2023-10-29. Review status: criteria provided, single submitter. Criteria: Invitae Variant Classification Sherloc (09022015). Collection method: clinical testing. Allele origin: germline.
Comment: This sequence change replaces alanine, which is neutral and non-polar, with valine, which is neutral and non-polar, at codon 800 of the DNM2 protein (p.Ala800Val). This variant is present in population databases (no rsID available, gnomAD 0.003%). This variant has not been reported in the literature in individuals affected with DNM2-related conditions. Algorithms developed to predict the effect of missense changes on protein structure and function output the following: SIFT: "Not Available"; PolyPhen-2: "Benign"; Align-GVGD: "Not Available". The valine amino acid residue is found in multiple mammalian species, which suggests that this missense change does not adversely affect protein function. In summary, the available evidence is currently insufficient to determine the role of this variant in disease. Therefore, it has been classified as a Variant of Uncertain Significance.

Athena Diagnostics
Classification: Uncertain significance. Last evaluated: 2022-10-21. Review status: criteria provided, single submitter. Criteria: Athena Diagnostics Criteria. Collection method: clinical testing. Allele origin: unknown.
Comment: Available data are insufficient to determine the clinical significance of the variant at this time. The frequency of this variant in the general population is uninformative in assessment of its pathogenicity. This variant has been seen where an alternate explanation for disease was also identified, suggesting this variant may not cause disease. Computational tools predict that this variant is not damaging.

NM_001005361.3(DNM2):c.2399C>T (p.Ala800Val)

Gene: DNM2 (dynamin 2; plus strand). Cytogenetic location: 19p13.2.
Variant type: single nucleotide variant.
Coding change: c.2399C>T on transcript NM_001005361.3 (MANE Select); coding-DNA position 2399, C replaced by T.
Protein change: p.Ala800Val; replaces alanine 800 with valine.
Molecular consequence: missense variant.
Genome position (GRCh38, 1-based): chr19:10,830,234, C>T. VCF-style: chr19-10830234-C-T. GRCh37 (hg19) VCF-style: chr19-10940910-C-T.
Other names: c.2399C>T, p.Ala800Val (NM_001005360.3, NM_001190716.2); c.2387C>T, p.Ala796Val (NM_001005362.3, NM_004945.4); short protein forms A796V, A800V.
Identifiers: ClinVar variation 2684176 (VCV002684176.4), dbSNP rs1050140753, ClinGen allele CA305272115.